The following is an entry in ClinVar:

ClinVar aggregate classification (germline): Uncertain significance. Review status: criteria provided, multiple submitters, no conflicts (2 of 4 stars). 2 submissions from 2 submitters: Uncertain significance (2). Last evaluated 2024-03-07.

Conditions:
Tuberous sclerosis 1 (TSC1). Identifiers: Orphanet 805, MedGen C1854465, MONDO:0008612, OMIM 191100.
Hereditary cancer-predisposing syndrome. Also called: Neoplastic Syndromes, Hereditary; Hereditary Cancer Syndrome; Tumor predisposition; Hereditary neoplastic syndrome. Identifiers: Orphanet 140162, MedGen C0027672, MeSH D009386, MONDO:0015356.

Submissions (2):

Ambry Genetics
Classification: Uncertain significance for Hereditary cancer-predisposing syndrome. Last evaluated: 2024-03-07. Review status: criteria provided, single submitter. Criteria: Ambry Variant Classification Scheme 2023. Collection method: clinical testing. Allele origin: germline.
Comment: The p.Q767R variant (also known as c.2300A>G), located in coding exon 16 of the TSC1 gene, results from an A to G substitution at nucleotide position 2300. The glutamine at codon 767 is replaced by arginine, an amino acid with highly similar properties. This amino acid position is not well conserved in available vertebrate species. In addition, this alteration is predicted to be tolerated by in silico analysis. Since supporting evidence is limited at this time, the clinical significance of this alteration remains unclear.

Labcorp Genetics (formerly Invitae), Labcorp
Classification: Uncertain significance for Tuberous sclerosis 1. Last evaluated: 2020-08-08. Review status: criteria provided, single submitter. Criteria: Invitae Variant Classification Sherloc (09022015). Collection method: clinical testing. Allele origin: germline.
Comment: In summary, the available evidence is currently insufficient to determine the role of this variant in disease. Therefore, it has been classified as a Variant of Uncertain Significance. Algorithms developed to predict the effect of missense changes on protein structure and function (SIFT, PolyPhen-2, Align-GVGD) all suggest that this variant is likely to be tolerated, but these predictions have not been confirmed by published functional studies and their clinical significance is uncertain. This variant has not been reported in the literature in individuals with TSC1-related conditions. This variant is not present in population databases (ExAC no frequency). This sequence change replaces glutamine with arginine at codon 767 of the TSC1 protein (p.Gln767Arg). The glutamine residue is weakly conserved and there is a small physicochemical difference between glutamine and arginine.

NM_000368.5(TSC1):c.2300A>G (p.Gln767Arg)

Gene: TSC1 (TSC complex subunit 1; minus strand). Cytogenetic location: 9q34.13.
Variant type: single nucleotide variant.
Coding change: c.2300A>G on transcript NM_000368.5 (MANE Select); coding-DNA position 2300, A replaced by G.
Protein change: p.Gln767Arg; replaces glutamine 767 with arginine.
Molecular consequence: missense variant.
Genome position (GRCh38, 1-based): chr9:132,902,696, T>C on the plus strand (A>G on the coding strand, the complement: TSC1 is on the minus strand). VCF-style: chr9-132902696-T-C. GRCh37 (hg19) VCF-style: chr9-135778083-T-C.
Other names: c.2297A>G, p.Gln766Arg (NM_001162426.2); c.2147A>G, p.Gln716Arg (NM_001162427.2); c.1937A>G, p.Gln646Arg (NM_001362177.2); short protein forms Q767R, Q766R, Q716R, Q646R.
Identifiers: ClinVar variation 1039188 (VCV001039188.11), dbSNP rs1845449144, ClinGen allele CA375359656.
Genomic context (GRCh38, chr9:132,902,696, plus strand): 5'-TCTCGGTCATGCTGCAGCTGTCTGATCTGGCTGTGGAGCTTGGTTACCATAGTGTCACGC[T>C]GCTCCTGGAGCTGATTGTATCTAGCTTGTTCTTTCTGCAGACTAACCTTCCACATCTGGA-3'
Protein context (NP_000359.1, residues 757-777): EQARYNQLQE[Gln767Arg]RDTMVTKLHS